The following is an entry in ClinVar:

NM_000465.4(BARD1):c.1471G>C (p.Gly491Arg)

Gene: BARD1 (BRCA1 associated RING domain 1; minus strand). Cytogenetic location: 2q35.
Variant type: single nucleotide variant.
Coding change: c.1471G>C on transcript NM_000465.4 (MANE Select); coding-DNA position 1471, G replaced by C.
Protein change: p.Gly491Arg; replaces glycine 491 with arginine.
Molecular consequence: missense variant. On other transcripts: non-coding transcript variant (3), intron variant (3).
Genome position (GRCh38, 1-based): chr2:214,767,579, C>G on the plus strand (G>C on the coding strand, the complement: BARD1 is on the minus strand). VCF-style: chr2-214767579-C-G. GRCh37 (hg19) VCF-style: chr2-215632303-C-G.
Other names: c.1414G>C, p.Gly472Arg (NM_001282543.2); c.159-15024G>C (NM_001282548.2); c.216-15024G>C (NM_001282545.2); c.364+24718G>C (NM_001282549.2); short protein forms G491R, G472R.
Identifiers: ClinVar variation 406771 (VCV000406771.14), dbSNP rs587782003, ClinGen allele CA16610692.

ClinVar aggregate classification (germline): Uncertain significance. Review status: criteria provided, multiple submitters, no conflicts (2 of 4 stars). 2 submissions from 2 submitters: Uncertain significance (2). Last evaluated 2025-10-05.

Conditions:
Hereditary cancer-predisposing syndrome. Also called: Hereditary Cancer Syndrome; Hereditary neoplastic syndrome; Neoplastic Syndromes, Hereditary; Tumor predisposition. Identifiers: Orphanet 140162, MedGen C0027672, MeSH D009386, MONDO:0015356.
Familial cancer of breast. Also called: BREAST CANCER, FAMILIAL; Hereditary breast cancer; hereditary breast carcinoma. Identifiers: Orphanet 227535, MedGen C0346153, MONDO:0016419, OMIM 114480. Disease mechanism: loss of function.

Submissions (2):

Labcorp Genetics (formerly Invitae), Labcorp
Classification: Uncertain significance for Familial cancer of breast. Last evaluated: 2025-10-05. Review status: criteria provided, single submitter. Criteria: Invitae Variant Classification Sherloc (09022015). Collection method: clinical testing. Allele origin: germline.
Comment: This sequence change replaces glycine, which is neutral and non-polar, with arginine, which is basic and polar, at codon 491 of the BARD1 protein (p.Gly491Arg). This variant is not present in population databases (gnomAD no frequency). This variant has not been reported in the literature in individuals affected with BARD1-related conditions. ClinVar contains an entry for this variant (Variation ID: 406771). An algorithm developed to predict the effect of missense changes on protein structure and function (PolyPhen-2) suggests that this variant is likely to be disruptive. Experimental studies have shown that this missense change affects BARD1 function (PMID: 34102105). In summary, the available evidence is currently insufficient to determine the role of this variant in disease. Therefore, it has been classified as a Variant of Uncertain Significance.

Ambry Genetics
Classification: Uncertain significance for Hereditary cancer-predisposing syndrome. Last evaluated: 2019-03-12. Review status: criteria provided, single submitter. Criteria: Ambry Variant Classification Scheme 2023. Collection method: clinical testing. Allele origin: germline.
Comment: The p.G491R variant (also known as c.1471G>C), located in coding exon 6 of the BARD1 gene, results from a G to C substitution at nucleotide position 1471. The glycine at codon 491 is replaced by arginine, an amino acid with dissimilar properties. This amino acid position is highly conserved in available vertebrate species. In addition, this alteration is predicted to be deleterious by in silico analysis. Since supporting evidence is limited at this time, the clinical significance of this alteration remains unclear.

Literature cited by the submitters: PubMed 34102105 (cited by Labcorp Genetics (formerly Invitae), Labcorp).